The following is an entry in ClinVar:

NM_019032.6(ADAMTSL4):c.1138C>T (p.Pro380Ser)

Genes: ADAMTSL4 (ADAMTS like 4; plus strand), ADAMTSL4-AS2 (ADAMTSL4 antisense RNA 2; minus strand). Cytogenetic location: 1q21.2.
Variant type: single nucleotide variant.
Coding change: c.1138C>T on transcript NM_019032.6 (MANE Select); coding-DNA position 1138, C replaced by T.
Protein change: p.Pro380Ser; replaces proline 380 with serine.
Molecular consequence: missense variant.
Genome position (GRCh38, 1-based): chr1:150,554,371, C>T. VCF-style: chr1-150554371-C-T. GRCh37 (hg19) VCF-style: chr1-150526847-C-T.
Other names: c.1138C>T, p.Pro380Ser (NM_001288607.2, NM_001288608.2, NM_001378596.1 and 1 more transcripts); c.1138C>T (NM_019032.4); short protein forms P380S.
Identifiers: ClinVar variation 1360659 (VCV001360659.4), dbSNP rs936943617, ClinGen allele CA30067472.
Genomic context (GRCh38, chr1:150,554,371, plus strand): 5'-CCCCTACCCTCATTTTGCTCCCCAGCTCTGACTCCTTTGTACCCCTCACCGCAGCCCTGC[C>T]CCCCTGAGCAGCCAGACCCCCGGGCCCTGCAGTGCGCAGCCTTTAACTCCCAGGAATTCA-3'
Protein context (NP_061905.2, residues 370-390): QLRACSQAPC[Pro380Ser]PEQPDPRALQ

ClinVar aggregate classification (germline): Uncertain significance. Review status: criteria provided, multiple submitters, no conflicts (2 of 4 stars). 2 submissions from 2 submitters: Uncertain significance (2). Last evaluated 2023-12-19.

Conditions:
Inborn genetic diseases. Identifiers: MedGen C0950123, MeSH D030342.

Allele frequency attached by ClinVar (database versions not stated): gnomAD exomes below 0.00001.
gnomAD v4.1: 2 of 1,613,028 alleles (0.00012%); highest among the groups gnomAD compares: Admixed American, 0.0017%; no homozygotes.

Submissions (2):

Ambry Genetics
Classification: Uncertain significance for Inborn genetic diseases. Last evaluated: 2023-12-19. Review status: criteria provided, single submitter. Criteria: Ambry Variant Classification Scheme 2023. Collection method: clinical testing. Allele origin: germline.

Labcorp Genetics (formerly Invitae), Labcorp
Classification: Uncertain significance. Last evaluated: 2022-08-10. Review status: criteria provided, single submitter. Criteria: Invitae Variant Classification Sherloc (09022015). Collection method: clinical testing. Allele origin: germline.
Comment: This sequence change replaces proline, which is neutral and non-polar, with serine, which is neutral and polar, at codon 380 of the ADAMTSL4 protein (p.Pro380Ser). This variant is present in population databases (no rsID available, gnomAD 0.003%). This variant has not been reported in the literature in individuals affected with ADAMTSL4-related conditions. ClinVar contains an entry for this variant (Variation ID: 1360659). Algorithms developed to predict the effect of missense changes on protein structure and function are either unavailable or do not agree on the potential impact of this missense change (SIFT: "Deleterious"; PolyPhen-2: "Benign"; Align-GVGD: "Class C65"). In summary, the available evidence is currently insufficient to determine the role of this variant in disease. Therefore, it has been classified as a Variant of Uncertain Significance.